The following is an entry in ClinVar:

ClinVar aggregate classification (germline): Conflicting classifications of pathogenicity. Review status: criteria provided, conflicting classifications (1 of 4 stars). 3 submissions from 3 submitters: Uncertain significance (1); Benign (1); Likely benign (1). Last evaluated 2025-08-05.

Allele frequency attached by ClinVar (database versions not stated): 1000 Genomes Project 30x 0.00219; 1000 Genomes Project 0.00260; ESP Exome Variant Server 0.00308; gnomAD 0.00309 and 0.00324; TOPMed 0.00319.
gnomAD v4.1: 890 of 1,614,146 alleles (0.055%); highest among the groups gnomAD compares: African/African-American, 0.99%; 4 homozygotes.

Submissions (3):

Ambry Genetics
Classification: Uncertain significance. Last evaluated: 2025-08-05. Review status: criteria provided, single submitter. Criteria: Ambry Variant Classification Scheme 2023. Collection method: clinical testing. Allele origin: germline.

CeGaT Center for Human Genetics Tuebingen
Classification: Likely benign. Last evaluated: 2025-04-01. Review status: criteria provided, single submitter. Criteria: CeGaT Center For Human Genetics Tuebingen Variant Classification Criteria Version 2. Collection method: clinical testing. Allele origin: germline. Affected: yes. Observed: 1 variant allele.
Comment: AKAP1: BP4

Labcorp Genetics (formerly Invitae), Labcorp
Classification: Benign. Last evaluated: 2018-07-23. Review status: criteria provided, single submitter. Criteria: Invitae Variant Classification Sherloc (09022015). Collection method: clinical testing. Allele origin: germline.

NM_003488.4(AKAP1):c.722G>C (p.Gly241Ala)

Gene: AKAP1 (A-kinase anchoring protein 1; plus strand). Cytogenetic location: 17q22.
Variant type: single nucleotide variant.
Coding change: c.722G>C on transcript NM_003488.4 (MANE Select); coding-DNA position 722, G replaced by C.
Protein change: p.Gly241Ala; replaces glycine 241 with alanine.
Molecular consequence: missense variant.
Genome position (GRCh38, 1-based): chr17:57,106,186, G>C. VCF-style: chr17-57106186-G-C. GRCh37 (hg19) VCF-style: chr17-55183547-G-C.
Other names: c.722G>C, p.Gly241Ala (NM_001242902.2, NM_001242903.2, NM_001370423.1 and 4 more transcripts); short protein forms G241A.
Identifiers: ClinVar variation 717064 (VCV000717064.11), dbSNP rs112469662, ClinGen allele CA8665531.